The following is an entry in ClinVar:

NM_006790.3(MYOT):c.1175A>G (p.Asn392Ser)

Genes: PKD2L2-DT (PKD2L2 divergent transcript; minus strand), MYOT (myotilin; plus strand). Cytogenetic location: 5q31.2.
Variant type: single nucleotide variant.
Coding change: c.1175A>G on transcript NM_006790.3 (MANE Select); coding-DNA position 1175, A replaced by G.
Protein change: p.Asn392Ser; replaces asparagine 392 with serine.
Molecular consequence: missense variant.
Genome position (GRCh38, 1-based): chr5:137,886,198, A>G. VCF-style: chr5-137886198-A-G. GRCh37 (hg19) VCF-style: chr5-137221887-A-G.
Other names: c.623A>G, p.Asn208Ser (NM_001135940.2); c.830A>G, p.Asn277Ser (NM_001300911.2); short protein forms N208S, N277S, N392S.
Identifiers: ClinVar variation 2113405 (VCV002113405.4), dbSNP rs1459835162, ClinGen allele CA361056345.

ClinVar aggregate classification (germline): Uncertain significance (1 of 4 stars; one submission).

Conditions:
Myofibrillar myopathy 3 (MFM3). Also called: Muscular dystrophy, proximal, type 1A; Autosomal dominant spheroid body myopathy. Identifiers: Orphanet 266, Orphanet 268129, MedGen C3714934, MONDO:0012215, OMIM 609200.

gnomAD v4.1: 1 of 1,610,274 alleles (0.000062%); highest among the groups gnomAD compares: South Asian, 0.0011%; no homozygotes.

Submission:

Labcorp Genetics (formerly Invitae), Labcorp
Classification: Uncertain significance for Myofibrillar myopathy 3. Last evaluated: 2022-03-18. Review status: criteria provided, single submitter. Criteria: Invitae Variant Classification Sherloc (09022015). Collection method: clinical testing. Allele origin: germline.
Comment: This sequence change replaces asparagine, which is neutral and polar, with serine, which is neutral and polar, at codon 392 of the MYOT protein (p.Asn392Ser). This variant is present in population databases (no rsID available, gnomAD 0.003%). This variant has not been reported in the literature in individuals affected with MYOT-related conditions. Algorithms developed to predict the effect of missense changes on protein structure and function are either unavailable or do not agree on the potential impact of this missense change (SIFT: "Tolerated"; PolyPhen-2: "Possibly Damaging"; Align-GVGD: "Class C15"). In summary, the available evidence is currently insufficient to determine the role of this variant in disease. Therefore, it has been classified as a Variant of Uncertain Significance.